The following is an entry in ClinVar:

ClinVar aggregate classification (germline): Pathogenic. Review status: criteria provided, multiple submitters, no conflicts (2 of 4 stars). 4 submissions from 4 submitters: Pathogenic (3). 1 of the submissions does not count toward it. Last evaluated 2024-03-07.

Conditions:
Tay-Sachs disease (TSD). Also called: HEXA DEFICIENCY; GM2 gangliosidosis, type 1; Hexosaminidase alpha-subunit deficiency (variant B); Sphingolipidosis, Tay-Sachs; Hexosaminidase A Deficiency; HEXA Disorders. Identifiers: Orphanet 845, MedGen C0039373, MONDO:0010100, OMIM 272800.

Allele frequency attached by ClinVar (database versions not stated): gnomAD exomes below 0.00001.

Submissions (4):

Labcorp Genetics (formerly Invitae), Labcorp
Classification: Pathogenic for Tay-Sachs disease. Last evaluated: 2024-03-07. Review status: criteria provided, single submitter. Criteria: Invitae Variant Classification Sherloc (09022015). Collection method: clinical testing. Allele origin: germline.
Comment: This sequence change creates a premature translational stop signal (p.Phe348Cysfs*33) in the HEXA gene. It is expected to result in an absent or disrupted protein product. Loss-of-function variants in HEXA are known to be pathogenic (PMID: 1833974, 8490625). This variant is not present in population databases (gnomAD no frequency). This premature translational stop signal has been observed in individual(s) with Tay-Sachs disease (PMID: 16088929). ClinVar contains an entry for this variant (Variation ID: 370773). Algorithms developed to predict the effect of sequence changes on RNA splicing suggest that this variant may create or strengthen a splice site. For these reasons, this variant has been classified as Pathogenic.

GeneDx
Classification: Pathogenic. Last evaluated: 2024-02-07. Review status: criteria provided, single submitter. Criteria: GeneDx Variant Classification Process June 2021. Collection method: clinical testing. Allele origin: germline. Affected: yes.
Comment: Frameshift variant predicted to result in protein truncation or nonsense mediated decay in a gene for which loss of function is a known mechanism of disease; Not observed at significant frequency in large population cohorts (gnomAD); This variant is associated with the following publications: (PMID: 16088929)

Women's Health and Genetics/Laboratory Corporation of America, LabCorp
Classification: Pathogenic for Tay-Sachs disease. Last evaluated: 2022-09-01. Review status: criteria provided, single submitter. Criteria: LabCorp Variant Classification Summary - May 2015. Collection method: clinical testing. Allele origin: germline.
Comment: Variant summary: HEXA c.1043_1046delTCAA (p.Phe348CysfsX33) results in a premature termination codon, predicted to cause a truncation of the encoded protein or absence of the protein due to nonsense mediated decay, which are commonly known mechanisms for disease. Truncations downstream of this position have been classified as pathogenic by our laboratory. The variant was absent in 251446 control chromosomes (gnomAD). c.1043_1046delTCAA has been reported in the literature in a homozygous individual affected with Tay-Sachs Disease (Montalvo_2005). These data indicate that the variant is likely to be associated with disease. To our knowledge, no experimental evidence demonstrating an impact on protein function has been reported. A ClinVar submitter (evaluation after 2014) cites the variant as likely pathogenic. Based on the evidence outlined above, the variant was classified as pathogenic.

Counsyl
Classification: Likely pathogenic for Tay-Sachs disease. Last evaluated: 2016-04-13. Review status: no assertion criteria provided. Collection method: clinical testing. Allele origin: unknown. Not counted in ClinVar's aggregate classification.

Literature cited by the submitters: PubMed 1833974 (cited by Labcorp Genetics (formerly Invitae), Labcorp); PubMed 8490625 (cited by Labcorp Genetics (formerly Invitae), Labcorp); PubMed 16088929 (cited by 3 submitters).

NM_000520.6(HEXA):c.1043_1046del (p.Phe348fs)

Gene: HEXA (hexosaminidase subunit alpha; minus strand). Cytogenetic location: 15q23.
Variant type: Deletion.
Coding change: c.1043_1046del on transcript NM_000520.6 (MANE Select); coding-DNA positions 1043 to 1046, 4 bases deleted (TCAA; older notation c.1043_1046delTCAA).
Protein change: p.Phe348fs; shifts the reading frame from phenylalanine 348.
Molecular consequence: frameshift variant. On other transcripts: non-coding transcript variant (1).
Genome position (GRCh38, 1-based): chr15:72,348,075-72,348,078, TTGA deleted on the plus strand (TCAA on the coding strand, the reverse complement: HEXA is on the minus strand). VCF-style (leftmost placement, unchanged base first): chr15-72348074-CTTGA-C. GRCh37 (hg19) VCF-style: chr15-72640415-CTTGA-C.
Other names: c.1076_1079del, p.Phe359fs (NM_001318825.2); c.1043_1046del (NM_000520.4); c.1043_1046delTCAA (NM_000520.4); short protein forms F348fs, F359fs.
Identifiers: ClinVar variation 370773 (VCV000370773.8), dbSNP rs1057516755, ClinGen allele CA16041735.